The following is an entry in ClinVar:

ClinVar aggregate classification (germline): Uncertain significance. Review status: criteria provided, multiple submitters, no conflicts (2 of 4 stars). 4 submissions from 4 submitters: Uncertain significance (4). Last evaluated 2026-03-09.

Conditions:
Hereditary cancer-predisposing syndrome. Also called: Tumor predisposition; Hereditary neoplastic syndrome; Neoplastic Syndromes, Hereditary; Hereditary Cancer Syndrome. Identifiers: Orphanet 140162, MedGen C0027672, MeSH D009386, MONDO:0015356.
Tuberous sclerosis 2 (TSC2). Identifiers: Orphanet 805, MedGen C1860707, MONDO:0013199, OMIM 613254.

Submissions (4):

Ambry Genetics
Classification: Uncertain significance for Hereditary cancer-predisposing syndrome. Last evaluated: 2026-03-09. Review status: criteria provided, single submitter. Criteria: Ambry Variant Classification Scheme 2023. Collection method: clinical testing. Allele origin: germline.
Comment: The p.K698E variant (also known as c.2092A>G), located in coding exon 18 of the TSC2 gene, results from an A to G substitution at nucleotide position 2092. The lysine at codon 698 is replaced by glutamic acid, an amino acid with similar properties. This amino acid position is conserved. In addition, the in silico prediction for this alteration is inconclusive. Based on the available evidence, the clinical significance of this variant remains unclear.

Genome-Nilou Lab
Classification: Uncertain significance for Tuberous sclerosis 2. Last evaluated: 2021-11-07. Review status: criteria provided, single submitter. Criteria: ACMG Guidelines, 2015. Collection method: clinical testing. Allele origin: germline. Affected: no.

Labcorp Genetics (formerly Invitae), Labcorp
Classification: Uncertain significance for Tuberous sclerosis 2. Last evaluated: 2020-10-15. Review status: criteria provided, single submitter. Criteria: Invitae Variant Classification Sherloc (09022015). Collection method: clinical testing. Allele origin: germline.
Comment: This sequence change replaces lysine with glutamic acid at codon 698 of the TSC2 protein (p.Lys698Glu). The lysine residue is highly conserved and there is a small physicochemical difference between lysine and glutamic acid. This variant is not present in population databases (ExAC no frequency). This variant has not been reported in the literature in individuals with TSC2-related conditions. ClinVar contains an entry for this variant (Variation ID: 207781). Advanced modeling of protein sequence and biophysical properties (such as structural, functional, and spatial information, amino acid conservation, physicochemical variation, residue mobility, and thermodynamic stability) performed at Invitae indicates that this missense variant is not expected to disrupt TSC2 protein function. In summary, the available evidence is currently insufficient to determine the role of this variant in disease. Therefore, it has been classified as a Variant of Uncertain Significance.

GeneDx
Classification: Uncertain significance. Last evaluated: 2014-10-13. Review status: criteria provided, single submitter. Criteria: GeneDx Variant Classification (06012015). Collection method: clinical testing. Allele origin: germline. Affected: yes.
Comment: p.Lys698Glu (AAG>GAG): c.2092 A>G in exon 19 of the TSC2 gene (NM_000548.3) A variant of unknown significance has been identified in the TSC2 gene. The K698E variant has not been published as a mutation, nor has it been reported as a benign polymorphism to our knowledge. It was not observed in approximately 6,500 individuals of European and African American ancestry in the NHLBI Exome Sequencing Project, indicating it is not a common benign variant in these populations. The K698E variant is a non-conservative amino acid substitution, which is likely to impact secondary protein structure as these residues differ in polarity, charge, size and/or other properties. This substitution occurs at a position that is conserved in mammals; however, it is less conserved in distantly related species in evolution. Multiple missense mutations in nearby residues have been reported in association with tuberous sclerosis, supporting the functional importance of this region of the protein. Additionally, in silico analysis predicts this variant is probably damaging to the protein structure/function. Based on the currently available information, it is unclear whether this variant is a pathogenic mutation or a rare benign variant.The variant is found in TUBSC-EPIV2 panel(s).

NM_000548.5(TSC2):c.2092A>G (p.Lys698Glu)

Gene: TSC2 (TSC complex subunit 2; plus strand). Cytogenetic location: 16p13.3.
Variant type: single nucleotide variant.
Coding change: c.2092A>G on transcript NM_000548.5 (MANE Select); coding-DNA position 2092, A replaced by G.
Protein change: p.Lys698Glu; replaces lysine 698 with glutamic acid.
Molecular consequence: missense variant.
Genome position (GRCh38, 1-based): chr16:2,071,929, A>G. VCF-style: chr16-2071929-A-G. GRCh37 (hg19) VCF-style: chr16-2121930-A-G.
Other names: p.K698E:AAG>GAG; c.2092A>G, p.Lys698Glu (NM_001077183.3, NM_001114382.3, NM_001363528.2 and 3 more transcripts); c.1981A>G, p.Lys661Glu (NM_001318827.2); c.1945A>G, p.Lys649Glu (NM_001318829.2); c.1492A>G, p.Lys498Glu (NM_001318831.2); c.2125A>G, p.Lys709Glu (NM_001318832.2); short protein forms K698E, K649E, K498E, K661E, K709E.
Identifiers: ClinVar variation 207781 (VCV000207781.13), dbSNP rs796053510, ClinGen allele CA319586.
Genomic context (GRCh38, chr16:2,071,929, plus strand): 5'-GCCGTGCGGCTGGGGTCCGTGCCCTACTCCCTGCTCTTCCGCGTCCTGCTGCAGTGCTTG[A>G]AGCAGGTGAGTGGGGCCGGGCAGGGACCATCCGTCCCACGTTGGGCCAGGAGGACAGGGA-3'
Protein context (NP_000539.2, residues 688-708): LLFRVLLQCL[Lys698Glu]QESDWKVLKL